The following is an entry in ClinVar:

NM_006231.4(POLE):c.2872G>A (p.Val958Met)

Gene: POLE (DNA polymerase epsilon, catalytic subunit; minus strand). Cytogenetic location: 12q24.33.
Variant type: single nucleotide variant.
Coding change: c.2872G>A on transcript NM_006231.4 (MANE Select); coding-DNA position 2872, G replaced by A.
Protein change: p.Val958Met; replaces valine 958 with methionine.
Molecular consequence: missense variant.
Genome position (GRCh38, 1-based): chr12:132,661,157, C>T on the plus strand (G>A on the coding strand, the complement: POLE is on the minus strand). VCF-style: chr12-132661157-C-T. GRCh37 (hg19) VCF-style: chr12-133237743-C-T.
Other names: c.2872G>A (NM_006231.2); short protein forms V958M.
Identifiers: ClinVar variation 643073 (VCV000643073.9), dbSNP rs1443635519, ClinGen allele CA387392970.
Genomic context (GRCh38, chr12:132,661,157, plus strand): 5'-CCCCGCGGCGTTTGACCTCAAAGCCCTTGAGCTCAGCCAGAGAACCGTCTTCATTGAACA[C>T]AGCATACCTGAAAAAAAAAAAAAAGGCAAGCACAGCAGTGGCAAGGAGCGCTGGGGAGCC-3'
Protein context (NP_006222.2, residues 948-968): EGKKLKKRYA[Val958Met]FNEDGSLAEL

ClinVar aggregate classification (germline): Uncertain significance. Review status: criteria provided, multiple submitters, no conflicts (2 of 4 stars). 2 submissions from 2 submitters: Uncertain significance (2). Last evaluated 2026-04-26.

Conditions:
Hereditary cancer-predisposing syndrome. Also called: Tumor predisposition; Hereditary Cancer Syndrome; Neoplastic Syndromes, Hereditary; Hereditary neoplastic syndrome. Identifiers: Orphanet 140162, MedGen C0027672, MeSH D009386, MONDO:0015356.

Allele frequency attached by ClinVar (database versions not stated): gnomAD exomes below 0.00001.

Submissions (2):

Ambry Genetics
Classification: Uncertain significance for Hereditary cancer-predisposing syndrome. Last evaluated: 2026-04-26. Review status: criteria provided, single submitter. Criteria: Ambry Variant Classification Scheme 2023. Collection method: clinical testing. Allele origin: germline.
Comment: The p.V958M variant (also known as c.2872G>A), located in coding exon 25 of the POLE gene, results from a G to A substitution at nucleotide position 2872. The valine at codon 958 is replaced by methionine, an amino acid with highly similar properties. This amino acid position is conserved. In addition, the in silico prediction for this alteration is inconclusive. Based on the available evidence, the clinical significance of this variant remains unclear.

Labcorp Genetics (formerly Invitae), Labcorp
Classification: Uncertain significance. Last evaluated: 2018-10-20. Review status: criteria provided, single submitter. Criteria: Invitae Variant Classification Sherloc (09022015). Collection method: clinical testing. Allele origin: germline.
Comment: This sequence change replaces valine with methionine at codon 958 of the POLE protein (p.Val958Met). The valine residue is highly conserved and there is a small physicochemical difference between valine and methionine. This variant is not present in population databases (ExAC no frequency). This variant has not been reported in the literature in individuals with POLE-related disease. Algorithms developed to predict the effect of missense changes on protein structure and function are either unavailable or do not agree on the potential impact of this missense change (SIFT: "Deleterious"; PolyPhen-2: "Probably Damaging"; Align-GVGD: "Class C15"). In summary, the available evidence is currently insufficient to determine the role of this variant in disease. Therefore, it has been classified as a Variant of Uncertain Significance.